The following is an entry in ClinVar:

ClinVar aggregate classification (germline): Uncertain significance. Review status: criteria provided, multiple submitters, no conflicts (2 of 4 stars). 2 submissions from 2 submitters: Uncertain significance (2). Last evaluated 2025-02-01.

Conditions:
Inborn genetic diseases. Identifiers: MedGen C0950123, MeSH D030342.
Ellis-van Creveld syndrome (EVC). Also called: EVC-Related Ellis-van Creveld Syndrome; EVC2-Related Ellis-van Creveld Syndrome; Chondroectodermal dysplasia; MESOECTODERMAL DYSPLASIA. Identifiers: Orphanet 289, MedGen C0013903, MONDO:0009162, OMIM 225500.
Curry-Hall syndrome (WAD). Also called: WEYERS ACRODENTAL DYSOSTOSIS. Identifiers: Orphanet 952, MedGen C0457013, MONDO:0008673, OMIM 193530.

Allele frequency attached by ClinVar (database versions not stated): gnomAD 0.00002; TOPMed 0.00004.
gnomAD v4.1: 3 of 1,614,060 alleles (0.00019%); highest among the groups gnomAD compares: Admixed American, 0.005%; no homozygotes.

Submissions (2):

Ambry Genetics
Classification: Uncertain significance for Inborn genetic diseases. Last evaluated: 2025-02-01. Review status: criteria provided, single submitter. Criteria: Ambry Variant Classification Scheme 2023. Collection method: clinical testing. Allele origin: germline.

Labcorp Genetics (formerly Invitae), Labcorp
Classification: Uncertain significance for Curry-Hall syndrome; Ellis-van Creveld syndrome. Last evaluated: 2022-04-09. Review status: criteria provided, single submitter. Criteria: Invitae Variant Classification Sherloc (09022015). Collection method: clinical testing. Allele origin: germline.
Comment: This sequence change replaces glutamic acid, which is acidic and polar, with valine, which is neutral and non-polar, at codon 440 of the EVC2 protein (p.Glu440Val). This variant is not present in population databases (gnomAD no frequency). This variant has not been reported in the literature in individuals affected with EVC2-related conditions. Algorithms developed to predict the effect of missense changes on protein structure and function are either unavailable or do not agree on the potential impact of this missense change (SIFT: "Deleterious"; PolyPhen-2: "Possibly Damaging"; Align-GVGD: "Class C0"). Algorithms developed to predict the effect of sequence changes on RNA splicing suggest that this variant may create or strengthen a splice site. In summary, the available evidence is currently insufficient to determine the role of this variant in disease. Therefore, it has been classified as a Variant of Uncertain Significance.

NM_147127.5(EVC2):c.1319A>T (p.Glu440Val)

Genes: EVC2 (EvC ciliary complex subunit 2; minus strand), LOC126806961 (BRD4-independent group 4 enhancer GRCh37_chr4:5641443-5642642; plus strand). Cytogenetic location: 4p16.2.
Variant type: single nucleotide variant.
Coding change: c.1319A>T on transcript NM_147127.5 (MANE Select); coding-DNA position 1319, A replaced by T.
Protein change: p.Glu440Val; replaces glutamic acid 440 with valine.
Molecular consequence: missense variant.
Genome position (GRCh38, 1-based): chr4:5,640,665, T>A on the plus strand (A>T on the coding strand, the complement: EVC2 is on the minus strand). VCF-style: chr4-5640665-T-A. GRCh37 (hg19) VCF-style: chr4-5642392-T-A.
Other names: c.1079A>T, p.Glu360Val (NM_001166136.2); c.1319A>T (NM_147127.4); short protein forms E360V, E440V.
Identifiers: ClinVar variation 2167293 (VCV002167293.2), dbSNP rs1027714239, ClinGen allele CA91717822.